The following is an entry in ClinVar:

ClinVar aggregate classification (germline): Likely pathogenic (1 of 4 stars; one submission).

Conditions:
Hereditary hemorrhagic telangiectasia (HHT). Also called: ORW DISEASE; Osler Weber Rendu syndrome; OSLER-RENDU-WEBER DISEASE; Osler hemorrhagic telangiectasia syndrome. Identifiers: Orphanet 774, MedGen C0039445, MONDO:0019180. Disease mechanism: loss of function.

Submission:

Labcorp Genetics (formerly Invitae), Labcorp
Classification: Likely pathogenic for Hereditary hemorrhagic telangiectasia. Last evaluated: 2025-03-20. Review status: criteria provided, single submitter. Criteria: Invitae Variant Classification Sherloc (09022015). Collection method: clinical testing. Allele origin: germline.
Comment: This variant results in the deletion of part of exon 7 (c.985_991+8del) of the ENG gene. It is expected to disrupt RNA splicing. Variants that disrupt the donor or acceptor splice site typically lead to a loss of protein function (PMID: 16199547), and loss-of-function variants in ENG are known to be pathogenic (PMID: 15879500). This variant is not present in population databases (gnomAD no frequency). This variant has been observed in individual(s) with clinical features of hereditary hemorrhagic telangiectasia (internal data). In summary, the currently available evidence indicates that the variant is pathogenic, but additional data are needed to prove that conclusively. Therefore, this variant has been classified as Likely Pathogenic.

Literature cited by the submitters: PubMed 16199547; PubMed 15879500.

NM_001114753.3(ENG):c.985_991+8del

Gene: ENG (endoglin; minus strand). Cytogenetic location: 9q34.11.
Variant type: Deletion.
Coding change: c.985_991+8del on transcript NM_001114753.3 (MANE Select); coding-DNA position 985 through 8 bases into the intron after coding-DNA position 991, 15 bases deleted (AGCTGCGGTGAGCAC).
Molecular consequence: splice donor variant.
Genome position (GRCh38, 1-based): chr9:127,824,792-127,824,806, GTGCTCACCGCAGCT deleted on the plus strand (AGCTGCGGTGAGCAC on the coding strand, the reverse complement: ENG is on the minus strand); deleting any 15 consecutive bases within chr9:127,824,792-127,824,807 gives the same sequence; the c. name uses the placement nearest the transcript's 3' end. VCF-style (leftmost placement, unchanged base first): chr9-127824791-GGTGCTCACCGCAGCT-G. GRCh37 (hg19) VCF-style: chr9-130587070-GGTGCTCACCGCAGCT-G.
Other names: c.985_991+8del (NM_000118.4, NM_001406715.1); c.439_445+8del (NM_001278138.2).
Identifiers: ClinVar variation 4715588 (VCV004715588.1).